The following is an entry in ClinVar:

ClinVar aggregate classification (germline): Uncertain significance (1 of 4 stars; one submission).

Allele frequency attached by ClinVar (database versions not stated): gnomAD exomes 0.00001 and 0.00002; TOPMed 0.00002; ExAC 0.00004; gnomAD 0.00004.
gnomAD v4.1: 21 of 1,613,840 alleles (0.0013%); highest among the groups gnomAD compares: Middle Eastern, 0.017%; no homozygotes.

Submission:

Labcorp Genetics (formerly Invitae), Labcorp
Classification: Uncertain significance. Last evaluated: 2021-08-23. Review status: criteria provided, single submitter. Criteria: Invitae Variant Classification Sherloc (09022015). Collection method: clinical testing. Allele origin: germline.
Comment: This sequence change replaces glycine with serine at codon 890 of the ADGRA3 protein (p.Gly890Ser). The glycine residue is highly conserved and there is a small physicochemical difference between glycine and serine. This variant is present in population databases (rs753239712, ExAC 0.02%). This variant has not been reported in the literature in individuals affected with ADGRA3-related conditions. Algorithms developed to predict the effect of missense changes on protein structure and function (SIFT, PolyPhen-2, Align-GVGD) all suggest that this variant is likely to be disruptive. Algorithms developed to predict the effect of sequence changes on RNA splicing suggest that this variant may create or strengthen a splice site. In summary, the available evidence is currently insufficient to determine the role of this variant in disease. Therefore, it has been classified as a Variant of Uncertain Significance.

NM_145290.4(ADGRA3):c.2668G>A (p.Gly890Ser)

Gene: ADGRA3 (adhesion G protein-coupled receptor A3; minus strand). Cytogenetic location: 4p15.2.
Variant type: single nucleotide variant.
Coding change: c.2668G>A on transcript NM_145290.4 (MANE Select); coding-DNA position 2668, G replaced by A.
Protein change: p.Gly890Ser; replaces glycine 890 with serine.
Molecular consequence: missense variant.
Genome position (GRCh38, 1-based): chr4:22,389,143, C>T on the plus strand (G>A on the coding strand, the complement: ADGRA3 is on the minus strand). VCF-style: chr4-22389143-C-T. GRCh37 (hg19) VCF-style: chr4-22390766-C-T.
Other names: short protein forms G890S.
Identifiers: ClinVar variation 1431612 (VCV001431612.6), dbSNP rs753239712, ClinGen allele CA2873562.